The following is an entry in ClinVar:

NM_001197104.2(KMT2A):c.2167_2169del (p.Ser723del)

Gene: KMT2A (lysine methyltransferase 2A; plus strand). Cytogenetic location: 11q23.3.
Variant type: Deletion.
Coding change: c.2167_2169del on transcript NM_001197104.2 (MANE Select); coding-DNA positions 2167 to 2169, 3 bases deleted (TCT; older notation c.2167_2169delTCT).
Protein change: p.Ser723del; deletes serine 723.
Genome position (GRCh38, 1-based): chr11:118,473,326-118,473,328, TCT deleted; deleting any 3 consecutive bases within chr11:118,473,324-118,473,328 gives the same sequence; the c. name uses the placement nearest the transcript's 3' end. VCF-style (leftmost placement, unchanged base first): chr11-118473323-ACTT-A. GRCh37 (hg19) VCF-style: chr11-118344038-ACTT-A.
Other names: c.2266_2268del, p.Ser756del (NM_001412597.1); c.2167_2169del, p.Ser723del (NM_005933.4); short protein forms S723del, S756del.
Identifiers: ClinVar variation 3717792 (VCV003717792.2).
Genomic context (GRCh38, chr11:118,473,323, plus strand): 5'-TTTACTCCAAGTGAGGCTCACTCTAGAATATTTGAGTCTGTAACCTTGCCTAGTAATCGA[ACTT>A]CTGCTGGAACATCTTCTTCAGGAGTATCCAATAGAAAAAGGAAAAGAAAAGTGTTTAGTC-3'

ClinVar aggregate classification (germline): Uncertain significance (1 of 4 stars; one submission).

Submission:

Labcorp Genetics (formerly Invitae), Labcorp
Classification: Uncertain significance. Last evaluated: 2024-09-17. Review status: criteria provided, single submitter. Criteria: Invitae Variant Classification Sherloc (09022015). Collection method: clinical testing. Allele origin: germline.
Comment: This variant, c.2167_2169del, results in the deletion of 1 amino acid(s) of the KMT2A protein (p.Ser723del), but otherwise preserves the integrity of the reading frame. This variant is not present in population databases (gnomAD no frequency). This variant has not been reported in the literature in individuals affected with KMT2A-related conditions. Experimental studies and prediction algorithms are not available or were not evaluated, and the functional significance of this variant is currently unknown. In summary, the available evidence is currently insufficient to determine the role of this variant in disease. Therefore, it has been classified as a Variant of Uncertain Significance.